The following is an entry in ClinVar:

ClinVar aggregate classification (germline): Benign/Likely benign. Review status: criteria provided, multiple submitters, no conflicts (2 of 4 stars). 3 submissions from 3 submitters: Benign (1); Likely benign (2). Last evaluated 2024-11-14.

Conditions:
Renal cell carcinoma. Identifiers: Orphanet 217071, MedGen C0007134, MeSH D002292, MONDO:0005086, HP:0005584.
Hereditary cancer-predisposing syndrome. Also called: Tumor predisposition; Hereditary Cancer Syndrome; Neoplastic Syndromes, Hereditary; Hereditary neoplastic syndrome. Identifiers: Orphanet 140162, MedGen C0027672, MeSH D009386, MONDO:0015356.
Papillary renal cell carcinoma type 1 (RCCP1). Also called: Renal adenocarcinoma; Renal cell carcinoma 1; Renal cell carcinoma, somatic; RENAL CELL CARCINOMA, PAPILLARY, 1, SOMATIC. Identifiers: Orphanet 47044, MedGen C1336839, OMIM 605074, HP:0011797.

Allele frequency attached by ClinVar (database versions not stated): gnomAD exomes below 0.00001; TOPMed below 0.00001.
gnomAD v4.1: 2 of 1,614,174 alleles (0.00012%); highest among the groups gnomAD compares: Admixed American, 0.0017%; no homozygotes.

Submissions (3):

Myriad Genetics, Inc.
Classification: Benign for Papillary renal cell carcinoma type 1. Last evaluated: 2024-11-14. Review status: criteria provided, single submitter. Criteria: Myriad Autosomal Dominant, Autosomal Recessive and X-Linked Classification Criteria (2023). Collection method: clinical testing. Allele origin: unknown.
Comment: This variant is considered benign. This variant is a silent/synonymous amino acid change and it is not expected to impact splicing.

Labcorp Genetics (formerly Invitae), Labcorp
Classification: Likely benign for Renal cell carcinoma. Last evaluated: 2024-05-07. Review status: criteria provided, single submitter. Criteria: Invitae Variant Classification Sherloc (09022015). Collection method: clinical testing. Allele origin: germline.

Ambry Genetics
Classification: Likely benign for Hereditary cancer-predisposing syndrome. Last evaluated: 2022-06-11. Review status: criteria provided, single submitter. Criteria: Ambry Variant Classification Scheme 2023. Collection method: clinical testing. Allele origin: germline.

NM_000245.4(MET):c.3885C>T (p.Tyr1295=)

Gene: MET (MET proto-oncogene, receptor tyrosine kinase; plus strand). Cytogenetic location: 7q31.2.
Variant type: single nucleotide variant.
Coding change: c.3885C>T on transcript NM_000245.4 (MANE Select); coding-DNA position 3885, C replaced by T.
Protein change: p.Tyr1295=; no amino-acid change (tyrosine 1295 retained).
Molecular consequence: synonymous variant.
Genome position (GRCh38, 1-based): chr7:116,795,741, C>T. VCF-style: chr7-116795741-C-T. GRCh37 (hg19) VCF-style: chr7-116435795-C-T.
Other names: c.3939C>T, p.Tyr1313= (NM_001127500.3); c.2595C>T, p.Tyr865= (NM_001324402.2).
Identifiers: ClinVar variation 1586405 (VCV001586405.11), dbSNP rs1795648934, ClinGen allele CA457462323.